The following is an entry in ClinVar:

NM_002579.3(PALM):c.758C>T (p.Ala253Val)

Gene: PALM (paralemmin; plus strand). Cytogenetic location: 19p13.3.
Variant type: single nucleotide variant.
Coding change: c.758C>T on transcript NM_002579.3 (MANE Select); coding-DNA position 758, C replaced by T.
Protein change: p.Ala253Val; replaces alanine 253 with valine.
Molecular consequence: missense variant.
Genome position (GRCh38, 1-based): chr19:746,408, C>T. VCF-style: chr19-746408-C-T. GRCh37 (hg19) VCF-style: chr19-746408-C-T.
Other names: c.626C>T, p.Ala209Val (NM_001040134.2); short protein forms A209V, A253V.
Identifiers: ClinVar variation 3304127 (VCV003304127.3).
Genomic context (GRCh38, chr19:746,408, plus strand): 5'-ACGAACTCATCCACAAAGCGGACGAGGTCACGCTGAGCGAGGCAGGGTCCACGGCCGGGG[C>T]GGCAGAGACCCGGGGGGCTGTGGAGGGGGCAGCCCGGACCACGCCCTCCCGGCGGGAGAT-3'
Protein context (NP_002570.2, residues 243-263): TLSEAGSTAG[Ala253Val]AETRGAVEGA

ClinVar aggregate classification (germline): Uncertain significance. Review status: criteria provided, multiple submitters, no conflicts (2 of 4 stars). 2 submissions from 2 submitters: Uncertain significance (2). Last evaluated 2024-12-14.

gnomAD v4.1: 15 of 1,611,860 alleles (0.00093%); highest among the groups gnomAD compares: South Asian, 0.0044%; no homozygotes.

Submissions (2):

Labcorp Genetics (formerly Invitae), Labcorp
Classification: Uncertain significance. Last evaluated: 2024-12-14. Review status: criteria provided, single submitter. Criteria: Invitae Variant Classification Sherloc (09022015). Collection method: clinical testing. Allele origin: germline.
Comment: This sequence change replaces alanine, which is neutral and non-polar, with valine, which is neutral and non-polar, at codon 253 of the PALM protein (p.Ala253Val). This variant is present in population databases (rs375298878, gnomAD 0.002%). This variant has not been reported in the literature in individuals affected with PALM-related conditions. An algorithm developed to predict the effect of missense changes on protein structure and function (PolyPhen-2) suggests that this variant is likely to be disruptive. In summary, the available evidence is currently insufficient to determine the role of this variant in disease. Therefore, it has been classified as a Variant of Uncertain Significance.

Ambry Genetics
Classification: Uncertain significance. Last evaluated: 2024-03-28. Review status: criteria provided, single submitter. Criteria: Ambry Variant Classification Scheme 2023. Collection method: clinical testing. Allele origin: germline.